The following is an entry in ClinVar:

ClinVar aggregate classification (germline): Pathogenic/Likely pathogenic. Review status: criteria provided, multiple submitters, no conflicts (2 of 4 stars). 2 submissions from 2 submitters: Pathogenic (1); Likely pathogenic (1). Last evaluated 2020-05-22.

Conditions:
TRPM1-related disorder. Also called: TRPM1-related condition.

Allele frequency attached by ClinVar (database versions not stated): ExAC 0.00001; gnomAD exomes 0.00001.
gnomAD v4.1: 6 of 1,614,158 alleles (0.00037%); highest among the groups gnomAD compares: African/African-American, 0.0013%; no homozygotes.

Submissions (2):

Labcorp Genetics (formerly Invitae), Labcorp
Classification: Pathogenic. Last evaluated: 2020-05-22. Review status: criteria provided, single submitter. Criteria: Invitae Variant Classification Sherloc (09022015). Collection method: clinical testing. Allele origin: germline.
Comment: For these reasons, this variant has been classified as Pathogenic. Loss-of-function variants in TRPM1 are known to be pathogenic (PMID: 19896113, 19966281, 20300565). This variant has not been reported in the literature in individuals with TRPM1-related conditions. This variant is present in population databases (rs753356298, ExAC 0.001%). This sequence change creates a premature translational stop signal (p.Arg227*) in the TRPM1 gene. It is expected to result in an absent or disrupted protein product.

Blueprint Genetics
Classification: Likely pathogenic for TRPM1-related disorders. Last evaluated: 2020-03-23. Review status: criteria provided, single submitter. Criteria: ACMG Guidelines, 2015. Collection method: clinical testing. Allele origin: germline. Affected: yes. Observed: 1 variant allele.

Literature cited by the submitters: PubMed 19896113 (cited by Labcorp Genetics (formerly Invitae), Labcorp); PubMed 19966281 (cited by Labcorp Genetics (formerly Invitae), Labcorp); PubMed 20300565 (cited by Labcorp Genetics (formerly Invitae), Labcorp).

NM_001252024.2(TRPM1):c.745C>T (p.Arg249Ter)

Gene: TRPM1 (transient receptor potential cation channel subfamily M member 1; minus strand). Cytogenetic location: 15q13.3.
Variant type: single nucleotide variant.
Coding change: c.745C>T on transcript NM_001252024.2 (MANE Select); coding-DNA position 745, C replaced by T.
Protein change: p.Arg249Ter; replaces arginine 249 with a stop codon.
Molecular consequence: nonsense.
Genome position (GRCh38, 1-based): chr15:31,066,121, G>A on the plus strand (C>T on the coding strand, the complement: TRPM1 is on the minus strand). VCF-style: chr15-31066121-G-A. GRCh37 (hg19) VCF-style: chr15-31358324-G-A.
Other names: c.796C>T, p.Arg266Ter (NM_001252020.2); c.679C>T, p.Arg227Ter (NM_002420.6); short protein forms R227*, R249*, R266*.
Identifiers: ClinVar variation 1073921 (VCV001073921.8), dbSNP rs753356298, ClinGen allele CA7452857.
Genomic context (GRCh38, chr15:31,066,121, plus strand): 5'-TTTGCCAGCACTTACTTGTGTTGATCTTCTGCAGGGAGATGTGCTTTTCCAGCAGCCTTC[G>A]CAGCTTCACCTCGGCGCCATACTTGCCCAGGGTGCCATTGTCAGCCAGGATGAAGTGGGT-3'